The following is an entry in ClinVar:

NM_001851.6(COL9A1):c.2605G>C (p.Gly869Arg)

Gene: COL9A1 (collagen type IX alpha 1 chain; minus strand). Cytogenetic location: 6q13.
Variant type: single nucleotide variant.
Coding change: c.2605G>C on transcript NM_001851.6 (MANE Select); coding-DNA position 2605, G replaced by C.
Protein change: p.Gly869Arg; replaces glycine 869 with arginine.
Molecular consequence: missense variant. On other transcripts: non-coding transcript variant (1).
Genome position (GRCh38, 1-based): chr6:70,217,058, C>G on the plus strand (G>C on the coding strand, the complement: COL9A1 is on the minus strand). VCF-style: chr6-70217058-C-G. GRCh37 (hg19) VCF-style: chr6-70926761-C-G.
Other names: c.1906G>C, p.Gly636Arg (NM_001377289.1); c.1729G>C, p.Gly577Arg (NM_001377290.1); c.1876G>C, p.Gly626Arg (NM_078485.4); short protein forms G577R, G626R, G636R, G869R.
Identifiers: ClinVar variation 1316184 (VCV001316184.2), dbSNP rs2127544130, ClinGen allele CA364668130.

ClinVar aggregate classification (germline): Uncertain significance (1 of 4 stars; one submission).

Submission:

GeneDx
Classification: Uncertain significance. Last evaluated: 2019-07-30. Review status: criteria provided, single submitter. Criteria: GeneDx Variant Classification Process June 2021. Collection method: clinical testing. Allele origin: germline. Affected: yes.
Comment: Has not been previously published as pathogenic or benign to our knowledge; Not observed in large population cohorts (Lek et al., 2016); In silico analysis, which includes protein predictors and evolutionary conservation, supports a deleterious effect